The following is an entry in ClinVar:

ClinVar aggregate classification (germline): Uncertain significance (1 of 4 stars; one submission).

Conditions:
Neurodevelopmental disorder with dysmorphic facies and cerebellar hypoplasia. Identifiers: MedGen C5543332, MONDO:0859141, OMIM 619306.

gnomAD v4.1: 4 of 1,613,644 alleles (0.00025%); highest among the groups gnomAD compares: South Asian, 0.0033%; no homozygotes.

Submission:

Neuberg Centre For Genomic Medicine, NCGM
Classification: Uncertain significance for Neurodevelopmental disorder with dysmorphic facies and cerebellar hypoplasia. Last evaluated: 2023-05-20. Review status: criteria provided, single submitter. Criteria: ACMG Guidelines, 2015. Collection method: clinical testing. Allele origin: germline. Inheritance: Autosomal recessive inheritance. Affected: yes.
Comment: The missense variant c.1049T>C (p.Leu350Ser) in the EXOC2 gene has not been reported previously as a pathogenic variant nor as a benign variant, to our knowledge. This variant is reported with the allele frequency (0.0003%) in the gnomAD Exomes. The amino acid Leucine at position 350 is changed to a Serine changing protein sequence and it might alter its composition and physico-chemical properties. Multiple lines of computational evidence (Polyphen - Damaging, SIFT - Damaging and MutationTaster - Disease causing) predict a damaging effect on protein structure and function for this variant. The reference amino acid change p.Leu350Ser in EXOC2 is predicted as conserved by GERP++ and PhyloP across 100 vertebrates. For these reasons, this variant has been classified as Uncertain Significance.

NM_018303.6(EXOC2):c.1049T>C (p.Leu350Ser)

Gene: EXOC2 (exocyst complex component 2; minus strand). Cytogenetic location: 6p25.3.
Variant type: single nucleotide variant.
Coding change: c.1049T>C on transcript NM_018303.6 (MANE Select); coding-DNA position 1049, T replaced by C.
Protein change: p.Leu350Ser; replaces leucine 350 with serine.
Molecular consequence: missense variant. On other transcripts: non-coding transcript variant (1).
Genome position (GRCh38, 1-based): chr6:598,045, A>G on the plus strand (T>C on the coding strand, the complement: EXOC2 is on the minus strand). VCF-style: chr6-598045-A-G. GRCh37 (hg19) VCF-style: chr6-598045-A-G.
Other names: short protein forms L350S.
Identifiers: ClinVar variation 3367145 (VCV003367145.1).
Genomic context (GRCh38, chr6:598,045, plus strand): 5'-ACATGTGATTCAACAAAATGTTTGCAGAAGATTTACCTTATGTAACGTTTTTGGTCATGT[A>G]AAGTTGATGGTGTCTCAAGCAATTTATCCAGAAGTAATTCTCTTAAAGCTTCAATCCTTG-3'
Protein context (NP_060773.3, residues 340-360): LDKLLETPST[Leu350Ser]HDQKRYIRYL